The following is an entry in ClinVar:

ClinVar aggregate classification (germline): Likely pathogenic (1 of 4 stars; one submission).

Conditions:
Primary Mitochondrial Disorders. Identifiers: MedGen CN381104.

Submission:

Variantyx, Inc.
Classification: Likely pathogenic for Primary mitochondrial disorders. Last evaluated: 2025-03-16. Review status: criteria provided, single submitter. Criteria: Variantyx Assertion Criteria 2022. Collection method: clinical testing. Allele origin: germline. Inheritance: Mitochondrial inheritance.
Comment: The m.10125dup, c.67dupT, p.Trp23fs change is a a frameshift single nucleotide variant in the MT-ND3 gene. Pathogenic variants in this gene have been associated with primary mitochondrial disorders (PMID:11456298, 14705112, 15372108). This variant was not detected in the mother of this individual in one or more of the following: individual(s) from the published literature or previous internal cases; however, the possibility of heteroplasmy in different tissues cannot be excluded (PS2_Moderate). This variant introduces a premature termination codon, and is expected to alter or truncate greater than 10% of the protein (PVS1_Strong). This variant is absent from control populations (PM2_Supporting). Based on the current evidence, this variant is classified as likely pathogenic for primary mitochondrial disorders.

Literature cited by the submitters: PubMed 11456298; PubMed 14705112; PubMed 15372108.

NC_012920.1(MT-ND3):m.10125dup

Gene: MT-ND3 (mitochondrially encoded NADH dehydrogenase 3; plus strand).
Variant type: Duplication.
Genome position: chrM-10121-A-AT.
Identifiers: ClinVar variation 4795901 (VCV004795901.1).